The following is an entry in ClinVar:

NM_000829.4(GRIA4):c.148C>T (p.Leu50Phe)

Gene: GRIA4 (glutamate ionotropic receptor AMPA type subunit 4; plus strand). Cytogenetic location: 11q22.3.
Variant type: single nucleotide variant.
Coding change: c.148C>T on transcript NM_000829.4 (MANE Select); coding-DNA position 148, C replaced by T.
Protein change: p.Leu50Phe; replaces leucine 50 with phenylalanine.
Molecular consequence: missense variant. On other transcripts: non-coding transcript variant (1).
Genome position (GRCh38, 1-based): chr11:105,612,335, C>T. VCF-style: chr11-105612335-C-T. GRCh37 (hg19) VCF-style: chr11-105483062-C-T.
Other names: c.148C>T, p.Leu50Phe (NM_001077243.3, NM_001077244.2, NM_001112812.2 and 20 more transcripts); short protein forms L50F.
Identifiers: ClinVar variation 4755660 (VCV004755660.1).

ClinVar aggregate classification (germline): Uncertain significance (1 of 4 stars; one submission).

gnomAD v4.1: 6 of 1,614,056 alleles (0.00037%); highest among the groups gnomAD compares: Non-Finnish European, 0.00051%; no homozygotes.

Submission:

GeneDx
Classification: Uncertain significance. Last evaluated: 2025-08-07. Review status: criteria provided, single submitter. Criteria: GeneDx Variant Classification Process June 2021. Collection method: clinical testing. Allele origin: germline. Affected: yes.
Comment: Not observed at significant frequency in large population cohorts (gnomAD); In silico analysis suggests that this missense variant does not alter protein structure/function; Has not been previously published as pathogenic or benign to our knowledge